The following is an entry in ClinVar:

ClinVar aggregate classification (germline): Uncertain significance (1 of 4 stars; one submission).

Submission:

GeneDx
Classification: Uncertain significance. Last evaluated: 2024-12-21. Review status: criteria provided, single submitter. Criteria: GeneDx Variant Classification Process June 2021. Collection method: clinical testing. Allele origin: germline. Affected: yes.
Comment: Not observed at significant frequency in large population cohorts (gnomAD); In silico analysis supports that this missense variant has a deleterious effect on protein structure/function; Has not been previously published as pathogenic or benign to our knowledge

NM_001291415.2(KDM6A):c.3676T>C (p.Trp1226Arg)

Gene: KDM6A (lysine demethylase 6A; plus strand). Cytogenetic location: Xp11.3.
Variant type: single nucleotide variant.
Coding change: c.3676T>C on transcript NM_001291415.2 (MANE Select); coding-DNA position 3676, T replaced by C.
Protein change: p.Trp1226Arg; replaces tryptophan 1226 with arginine.
Molecular consequence: missense variant. On other transcripts: non-coding transcript variant (1).
Genome position (GRCh38, 1-based): chrX:45,085,951, T>C. VCF-style: chrX-45085951-T-C. GRCh37 (hg19) VCF-style: chrX-44945196-T-C.
Other names: c.3541T>C, p.Trp1181Arg (NM_001291416.2, NM_001419811.1); c.3385T>C, p.Trp1129Arg (NM_001291417.2); c.3283T>C, p.Trp1095Arg (NM_001291418.2, NM_001419815.1); c.2632T>C, p.Trp878Arg (NM_001291421.2); c.3418T>C, p.Trp1140Arg (NM_001410742.1, NM_001419814.1); c.3676T>C, p.Trp1226Arg (NM_001419809.1); c.3574T>C, p.Trp1192Arg (NM_001419810.1, NM_001419813.1); c.3520T>C, p.Trp1174Arg (NM_001419812.1, NM_021140.4); short protein forms W1095R, W1129R, W1140R, W1174R, W1181R, W1192R, W1226R, W878R.
Identifiers: ClinVar variation 3907835 (VCV003907835.1).
Genomic context (GRCh38, chrX:45,085,951, plus strand): 5'-TCAGTTAACATAAATATTGGCCCAGGTGACTGTGAATGGTTTGTTGTTCCTGAAGGTTAC[T>C]GGGGTGTTCTGAATGACTTCTGTGAAAAGTAGGTTTCCAAAGTAAATTTTCTTAAAACAT-3'
Protein context (NP_001278344.1, residues 1216-1236): CEWFVVPEGY[Trp1226Arg]GVLNDFCEKN